The following is an entry in ClinVar:

ClinVar aggregate classification (germline): Uncertain significance (1 of 4 stars; one submission).

Allele frequency attached by ClinVar (database versions not stated): gnomAD 0.00001.
gnomAD v4.1: 1 of 1,210,274 alleles (0.000083%); highest among the groups gnomAD compares: African/African-American, 0.0017%; no homozygotes.

Submission:

GeneDx
Classification: Uncertain significance. Last evaluated: 2022-06-27. Review status: criteria provided, single submitter. Criteria: GeneDx Variant Classification Process June 2021. Collection method: clinical testing. Allele origin: germline. Affected: yes.
Comment: In silico analysis supports that this missense variant does not alter protein structure/function; Has not been previously published as pathogenic or benign to our knowledge

NM_001291867.2(NHS):c.2027A>G (p.Asn676Ser)

Gene: NHS (NHS actin remodeling regulator; plus strand). Cytogenetic location: Xp22.13.
Variant type: single nucleotide variant.
Coding change: c.2027A>G on transcript NM_001291867.2 (MANE Select); coding-DNA position 2027, A replaced by G.
Protein change: p.Asn676Ser; replaces asparagine 676 with serine.
Molecular consequence: missense variant.
Genome position (GRCh38, 1-based): chrX:17,726,133, A>G. VCF-style: chrX-17726133-A-G. GRCh37 (hg19) VCF-style: chrX-17744253-A-G.
Other names: c.1496A>G, p.Asn499Ser (NM_001136024.4); c.1433A>G, p.Asn478Ser (NM_001291868.2); c.1964A>G, p.Asn655Ser (NM_198270.4); short protein forms N478S, N499S, N655S, N676S.
Identifiers: ClinVar variation 1809873 (VCV001809873.1), dbSNP rs1248458662, ClinGen allele CA412356033.